The following is an entry in ClinVar:

NM_022829.6(SLC13A3):c.1632+6T>C

Gene: SLC13A3 (solute carrier family 13 member 3; minus strand). Cytogenetic location: 20q13.12.
Variant type: single nucleotide variant.
Coding change: c.1632+6T>C on transcript NM_022829.6 (MANE Select); 6 bases into the intron after coding-DNA position 1632, T replaced by C.
Molecular consequence: intron variant.
Genome position (GRCh38, 1-based): chr20:46,563,408, A>G on the plus strand (T>C on the coding strand, the complement: SLC13A3 is on the minus strand). VCF-style: chr20-46563408-A-G. GRCh37 (hg19) VCF-style: chr20-45192047-A-G.
Other names: c.1386+6T>C (NM_001193340.2); c.1491+6T>C (NM_001011554.3); c.1338+6T>C (NM_001193342.2); c.1482+6T>C (NM_001193339.2).
Identifiers: ClinVar variation 2768125 (VCV002768125.3), dbSNP rs2516536383, ClinGen allele CA2697547399.

ClinVar aggregate classification (germline): Uncertain significance (1 of 4 stars; one submission).

Submission:

Labcorp Genetics (formerly Invitae), Labcorp
Classification: Uncertain significance. Last evaluated: 2023-10-13. Review status: criteria provided, single submitter. Criteria: Invitae Variant Classification Sherloc (09022015). Collection method: clinical testing. Allele origin: germline.
Comment: This sequence change falls in intron 12 of the SLC13A3 gene. It does not directly change the encoded amino acid sequence of the SLC13A3 protein. It affects a nucleotide within the consensus splice site. This variant is not present in population databases (gnomAD no frequency). This variant has not been reported in the literature in individuals affected with SLC13A3-related conditions. Variants that disrupt the consensus splice site are a relatively common cause of aberrant splicing (PMID: 17576681, 9536098). Algorithms developed to predict the effect of sequence changes on RNA splicing suggest that this variant is not likely to affect RNA splicing. In summary, the available evidence is currently insufficient to determine the role of this variant in disease. Therefore, it has been classified as a Variant of Uncertain Significance.

Literature cited by the submitters: PubMed 17576681; PubMed 9536098.